The following is an entry in ClinVar:

NM_021100.5(NFS1):c.1136+261T>G

Gene: NFS1 (NFS1 cysteine desulfurase; minus strand). Cytogenetic location: 20q11.22.
Variant type: single nucleotide variant.
Coding change: c.1136+261T>G on transcript NM_021100.5 (MANE Select); 261 bases into the intron after coding-DNA position 1136, T replaced by G.
Molecular consequence: intron variant.
Genome position (GRCh38, 1-based): chr20:35,674,089, A>C on the plus strand (T>G on the coding strand, the complement: NFS1 is on the minus strand). VCF-style: chr20-35674089-A-C. GRCh37 (hg19) VCF-style: chr20-34262011-A-C.
Other names: c.983+261T>G (NM_001198989.2).
Identifiers: ClinVar variation 671467 (VCV000671467.2), dbSNP rs17336615, ClinGen allele CA14828679.
Genomic context (GRCh38, chr20:35,674,089, plus strand): 5'-GCCAAACACTTAGTGGCCTTTGGAGCATCTTCAATTCTAGAGGCCTGTAACAGAACTGCT[A>C]GTGTAACCCACAACAGACACATACATCCCCTGGGACGATAAAAGGCACAAAATTCTACCC-3'

ClinVar aggregate classification (germline): Benign. Review status: criteria provided, multiple submitters, no conflicts (2 of 4 stars). 2 submissions from 2 submitters: Benign (2). Last evaluated 2018-06-16.

Allele frequency attached by ClinVar (database versions not stated): TOPMed 0.03601; gnomAD 0.04390; gnomAD exomes 0.06389; 1000 Genomes Project 30x 0.06465; 1000 Genomes Project 0.06569.

Submissions (2):

GeneDx
Classification: Benign. Last evaluated: 2018-06-16. Review status: criteria provided, single submitter. Criteria: GeneDx Variant Classification (06012015). Collection method: clinical testing. Allele origin: germline. Affected: yes.
Comment: This variant is considered likely benign or benign based on one or more of the following criteria: it is a conservative change, it occurs at a poorly conserved position in the protein, it is predicted to be benign by multiple in silico algorithms, and/or has population frequency not consistent with disease.

Breakthrough Genomics
Classification: Benign. Review status: criteria provided, single submitter. Criteria: ACMG Guidelines, 2015. Collection method: not provided. Allele origin: germline. Inheritance: Autosomal recessive inheritance. Affected: yes.